The following is an entry in ClinVar:

NM_004656.4(BAP1):c.789A>G (p.Ile263Met)

Gene: BAP1 (BRCA1 associated deubiquitinase 1; minus strand). Cytogenetic location: 3p21.1.
Variant type: single nucleotide variant.
Coding change: c.789A>G on transcript NM_004656.4 (MANE Select); coding-DNA position 789, A replaced by G.
Protein change: p.Ile263Met; replaces isoleucine 263 with methionine.
Molecular consequence: missense variant.
Genome position (GRCh38, 1-based): chr3:52,405,907, T>C on the plus strand (A>G on the coding strand, the complement: BAP1 is on the minus strand). VCF-style: chr3-52405907-T-C. GRCh37 (hg19) VCF-style: chr3-52439923-T-C.
Other names: short protein forms I263M.
Identifiers: ClinVar variation 650078 (VCV000650078.6), dbSNP rs1553645521, ClinGen allele CA353106966.

ClinVar aggregate classification (germline): Uncertain significance (1 of 4 stars; one submission).

Conditions:
BAP1-related tumor predisposition syndrome (TPDS1). Also called: Tumor susceptibility linked to germline BAP1 mutations; BAP1 tumor predisposition syndrome; COMMON Syndrome; TUMOR PREDISPOSITION SYNDROME 1. Identifiers: Orphanet 289539, MedGen C3280492, MONDO:0013692, OMIM 614327.

Submission:

Labcorp Genetics (formerly Invitae), Labcorp
Classification: Uncertain significance for BAP1-related tumor predisposition syndrome. Last evaluated: 2018-11-29. Review status: criteria provided, single submitter. Criteria: Invitae Variant Classification Sherloc (09022015). Collection method: clinical testing. Allele origin: germline.
Comment: This sequence change replaces isoleucine with methionine at codon 263 of the BAP1 protein (p.Ile263Met). The isoleucine residue is highly conserved and there is a small physicochemical difference between isoleucine and methionine. In summary, the available evidence is currently insufficient to determine the role of this variant in disease. Therefore, it has been classified as a Variant of Uncertain Significance. Algorithms developed to predict the effect of missense changes on protein structure and function are either unavailable or do not agree on the potential impact of this missense change (SIFT: "Tolerated"; PolyPhen-2: "Possibly Damaging"; Align-GVGD: "Class C0"). This variant has not been reported in the literature in individuals with BAP1-related conditions. This variant is not present in population databases (ExAC no frequency).